The following is an entry in ClinVar:

ClinVar aggregate classification (germline): Likely benign (1 of 4 stars; one submission).

Submission:

CeGaT Center for Human Genetics Tuebingen
Classification: Likely benign. Last evaluated: 2022-09-01. Review status: criteria provided, single submitter. Criteria: CeGaT Center For Human Genetics Tuebingen Variant Classification Criteria Version 2. Collection method: clinical testing. Allele origin: germline. Affected: yes. Observed: 1 variant allele.
Comment: SLC27A3: PM2:Supporting, BP4, BP7

NM_024330.4(SLC27A3):c.768T>C (p.Asp256=)

Gene: SLC27A3 (solute carrier family 27 member 3; plus strand). Cytogenetic location: 1q21.3.
Variant type: single nucleotide variant.
Coding change: c.768T>C on transcript NM_024330.4 (MANE Select); coding-DNA position 768, T replaced by C.
Protein change: p.Asp256=; no amino-acid change (aspartic acid 256 retained).
Molecular consequence: synonymous variant. On other transcripts: non-coding transcript variant (1).
Genome position (GRCh38, 1-based): chr1:153,776,618, T>C. VCF-style: chr1-153776618-T-C. GRCh37 (hg19) VCF-style: chr1-153749094-T-C.
Other names: c.768T>C, p.Asp256= (NM_001317929.4).
Identifiers: ClinVar variation 2639353 (VCV002639353.24), dbSNP rs2525141505, ClinGen allele CA420841273.